The following is an entry in ClinVar:

ClinVar aggregate classification (germline): Benign/Likely benign. Review status: criteria provided, multiple submitters, no conflicts (2 of 4 stars). 3 submissions from 3 submitters: Benign (1); Likely benign (2). Last evaluated 2025-07-08.

Conditions:
Inborn genetic diseases. Identifiers: MedGen C0950123, MeSH D030342.

Allele frequency attached by ClinVar (database versions not stated): TOPMed 0.00002; gnomAD 0.00003; ESP Exome Variant Server 0.00008; gnomAD exomes 0.00008; ExAC 0.00016; 1000 Genomes Project 30x 0.00031; 1000 Genomes Project 0.00040.
gnomAD v4.1: 131 of 1,613,690 alleles (0.0081%); highest among the groups gnomAD compares: South Asian, 0.1%; 1 homozygote.

Submissions (3):

Labcorp Genetics (formerly Invitae), Labcorp
Classification: Benign. Last evaluated: 2025-07-08. Review status: criteria provided, single submitter. Criteria: Invitae Variant Classification Sherloc (09022015). Collection method: clinical testing. Allele origin: germline.

CeGaT Center for Human Genetics Tuebingen
Classification: Likely benign. Last evaluated: 2023-12-01. Review status: criteria provided, single submitter. Criteria: CeGaT Center For Human Genetics Tuebingen Variant Classification Criteria Version 2. Collection method: clinical testing. Allele origin: germline. Affected: yes. Observed: 1 variant allele.
Comment: PRKCSH: BP4

Ambry Genetics
Classification: Likely benign for Inborn genetic diseases. Last evaluated: 2022-05-16. Review status: criteria provided, single submitter. Criteria: Ambry Variant Classification Scheme 2023. Collection method: clinical testing. Allele origin: germline.

NM_001289104.2(PRKCSH):c.1489A>G (p.Met497Val)

Gene: PRKCSH (PRKCSH beta subunit of glucosidase II; plus strand). Cytogenetic location: 19p13.2.
Variant type: single nucleotide variant.
Coding change: c.1489A>G on transcript NM_001289104.2 (MANE Select); coding-DNA position 1489, A replaced by G.
Protein change: p.Met497Val; replaces methionine 497 with valine.
Molecular consequence: missense variant.
Genome position (GRCh38, 1-based): chr19:11,449,293, A>G. VCF-style: chr19-11449293-A-G. GRCh37 (hg19) VCF-style: chr19-11560108-A-G.
Other names: c.1459A>G, p.Met487Val (NM_001001329.3, NM_001289102.2, NM_001379609.1); c.1489A>G, p.Met497Val (NM_001289103.2); c.1468A>G, p.Met490Val (NM_001379608.1, NM_002743.3); short protein forms M487V, M490V, M497V.
Identifiers: ClinVar variation 2289943 (VCV002289943.25), dbSNP rs370262547, ClinGen allele CA9213355.